The following is an entry in ClinVar:

NM_001035.3(RYR2):c.10873G>A (p.Glu3625Lys)

Gene: RYR2 (ryanodine receptor 2; plus strand). Cytogenetic location: 1q43.
Variant type: single nucleotide variant.
Coding change: c.10873G>A on transcript NM_001035.3 (MANE Select); coding-DNA position 10873, G replaced by A.
Protein change: p.Glu3625Lys; replaces glutamic acid 3625 with lysine.
Molecular consequence: missense variant.
Genome position (GRCh38, 1-based): chr1:237,730,294, G>A. VCF-style: chr1-237730294-G-A. GRCh37 (hg19) VCF-style: chr1-237893594-G-A.
Other names: c.10873G>A, p.Glu3625Lys (LRG_402t1); short protein forms E3625K.
Identifiers: ClinVar variation 577920 (VCV000577920.10), dbSNP rs1225994973, ClinGen allele CA345417822.

ClinVar aggregate classification (germline): Uncertain significance (1 of 4 stars; one submission).

Conditions:
Catecholaminergic polymorphic ventricular tachycardia 1. Also called: VENTRICULAR TACHYCARDIA, CATECHOLAMINERGIC POLYMORPHIC, 1, WITH OR WITHOUT ATRIAL DYSFUNCTION AND/OR DILATED CARDIOMYOPATHY; VENTRICULAR TACHYCARDIA, STRESS-INDUCED POLYMORPHIC 1; RYR2-Related Catecholaminergic Polymorphic Ventricular Tachycardia. Identifiers: Orphanet 3286, MedGen C1631597, MONDO:0011484, OMIM 604772.

Allele frequency attached by ClinVar (database versions not stated): gnomAD 0.00001.
gnomAD v4.1: 1 of 1,609,216 alleles (0.000062%); highest among the groups gnomAD compares: African/African-American, 0.0013%; no homozygotes.

Submission:

Labcorp Genetics (formerly Invitae), Labcorp
Classification: Uncertain significance for Catecholaminergic polymorphic ventricular tachycardia 1. Last evaluated: 2018-06-11. Review status: criteria provided, single submitter. Criteria: Invitae Variant Classification Sherloc (09022015). Collection method: clinical testing. Allele origin: germline.
Comment: In summary, the available evidence is currently insufficient to determine the role of this variant in disease. Therefore, it has been classified as a Variant of Uncertain Significance. Algorithms developed to predict the effect of missense changes on protein structure and function are either unavailable or do not agree on the potential impact of this missense change (SIFT: "Deleterious"; PolyPhen-2: "Benign"; Align-GVGD: "Class C15"). This variant has not been reported in the literature in individuals with RYR2-related disease. This variant is not present in population databases (ExAC no frequency). This sequence change replaces glutamic acid with lysine at codon 3625 of the RYR2 protein (p.Glu3625Lys). The glutamic acid residue is highly conserved and there is a small physicochemical difference between glutamic acid and lysine.